The following is an entry in ClinVar:

NM_007294.4(BRCA1):c.3333del (p.Glu1112fs)

Genes: BRCA1 (BRCA1 DNA repair associated; minus strand), LOC126862571 (BRD4-independent group 4 enhancer GRCh37_chr17:41243136-41244335; plus strand). Cytogenetic location: 17q21.31.
Variant type: Deletion.
Coding change: c.3333del on transcript NM_007294.4 (MANE Select); coding-DNA position 3333, one base deleted (A; older notation c.3333delA).
Protein change: p.Glu1112fs; shifts the reading frame from glutamic acid 1112.
Molecular consequence: frameshift variant. On other transcripts: intron variant (137).
Genome position (GRCh38, 1-based): chr17:43,092,198, T deleted on the plus strand (A on the coding strand, the reverse complement: BRCA1 is on the minus strand); the first of 2 consecutive T bases (chr17:43,092,198-43,092,199); deleting either gives the same sequence. VCF-style (leftmost placement, unchanged base first): chr17-43092197-CT-C. GRCh37 (hg19) VCF-style: chr17-41244214-CT-C.
Other names: 3452delA; c.3333delA (NM_007294.3); c.3333del, p.Glu1112fs (NM_001407585.1, NM_001407593.1, NM_001407594.1 and 30 more transcripts); c.3330del, p.Glu1111fs (NM_001407587.1, NM_001407590.1, NM_001407591.1 and 22 more transcripts); c.3324del, p.Glu1109fs (NM_001407646.1, NM_001407647.1); c.3210del, p.Glu1071fs (NM_001407648.1, NM_001407664.1, NM_001407665.1 and 19 more transcripts); c.3207del, p.Glu1070fs (NM_001407649.1, NM_001407670.1, NM_001407671.1 and 11 more transcripts); c.3255del, p.Glu1086fs (NM_001407653.1, NM_001407654.1, NM_001407655.1 and 4 more transcripts); and 43 more; short protein forms E1065fs, E1112fs, E1041fs, E1085fs, E1086fs, E1111fs, E1024fs, E1042fs.
Identifiers: ClinVar variation 54847 (VCV000054847.28), dbSNP rs80357966, ClinGen allele CA002161.

ClinVar aggregate classification (germline): Pathogenic. Review status: reviewed by expert panel (3 of 4 stars). 13 submissions from 13 submitters: Pathogenic (1). 12 of the submissions do not count toward it. Last evaluated 2016-09-08.

Conditions:
Inherited breast cancer and ovarian cancer.
Breast-ovarian cancer, familial, susceptibility to, 1 (BROVCA1). Also called: BRCA1 Hereditary Breast and Ovarian Cancer; OVARIAN CANCER, SUSCEPTIBILITY TO. Identifiers: Orphanet 145, MedGen C2676676, MONDO:0011450, OMIM 604370. Disease mechanism: loss of function.
Hereditary cancer-predisposing syndrome. Also called: Neoplastic Syndromes, Hereditary; Hereditary neoplastic syndrome; Hereditary Cancer Syndrome; Tumor predisposition. Identifiers: Orphanet 140162, MedGen C0027672, MeSH D009386, MONDO:0015356.
Hereditary breast ovarian cancer syndrome. Also called: BRCA1- and BRCA2-Associated Hereditary Breast and Ovarian Cancer; Hereditary breast and ovarian cancer syndrome (HBOC); Hereditary breast and ovarian cancer syndrome; Hereditary breast and/or ovarian cancer syndrome; Breast and ovarian cancer; Hereditary breast and ovarian cancer. Identifiers: Orphanet 145, MedGen C0677776, MeSH D061325, MONDO:0003582. Disease mechanism: loss of function.
Malignant tumor of breast. Also called: Cancer breast; Malignant breast neoplasm. Identifiers: MedGen C0006142, MONDO:0007254. Disease mechanism: loss of function.
Familial cancer of breast. Also called: hereditary breast carcinoma; Hereditary breast cancer; BREAST CANCER, FAMILIAL. Identifiers: Orphanet 227535, MedGen C0346153, MONDO:0016419, OMIM 114480. Disease mechanism: loss of function.

Submissions (13):

Evidence-based Network for the Interpretation of Germline Mutant Alleles (ENIGMA)
Classification: Pathogenic for Breast-ovarian cancer, familial, susceptibility to, 1. Last evaluated: 2016-09-08. Review status: reviewed by expert panel. Criteria: ENIGMA BRCA1/2 Classification Criteria (2015). Collection method: curation. Allele origin: germline.
Comment: Variant allele predicted to encode a truncated non-functional protein.

Ambry Genetics
Classification: Pathogenic for Hereditary cancer-predisposing syndrome. Last evaluated: 2026-08-19. Review status: criteria provided, single submitter. Criteria: Ambry Variant Classification Scheme 2023. Collection method: clinical testing. Allele origin: germline. Not counted in ClinVar's aggregate classification.
Comment: The c.3333delA pathogenic mutation, located in coding exon 9 of the BRCA1 gene, results from a deletion of one nucleotide at nucleotide position 3333, causing a translational frameshift with a predicted alternate stop codon (p.E1112Nfs*5). This variant is considered to be rare based on population cohorts in the Genome Aggregation Database (gnomAD). This alteration is expected to result in loss of function by premature protein truncation or nonsense-mediated mRNA decay. As such, this alteration is interpreted as a disease-causing mutation.

Genetics Laboratory, Great Ormond Street Hospital NHS Foundation Trust, North Thames Genomic Laboratory Hub
Classification: Pathogenic for Inherited breast cancer and ovarian cancer. Last evaluated: 2026-01-29. Review status: criteria provided, single submitter. Criteria: CanVIG BRCA Gene Specific V1.22. Collection method: clinical testing. Allele origin: germline. Affected: yes. Not counted in ClinVar's aggregate classification.
Comment: PM2_moderate, PVS1_very-strong, PM5_strong

Labcorp Genetics (formerly Invitae), Labcorp
Classification: Pathogenic for Hereditary breast ovarian cancer syndrome. Last evaluated: 2026-01-07. Review status: criteria provided, single submitter. Criteria: Invitae Variant Classification Sherloc (09022015). Collection method: clinical testing. Allele origin: germline. Not counted in ClinVar's aggregate classification.
Comment: This sequence change creates a premature translational stop signal (p.Glu1112Asnfs*5) in the BRCA1 gene. It is expected to result in an absent or disrupted protein product. Loss-of-function variants in BRCA1 are known to be pathogenic (PMID: 20104584). This variant is not present in population databases (gnomAD no frequency). This premature translational stop signal has been observed in individual(s) with breast and/or ovarian cancer and ovarian cancer (PMID: 11437933, 26541979, 27157322). This variant is also known as 3452delA. ClinVar contains an entry for this variant (Variation ID: 54847). For these reasons, this variant has been classified as Pathogenic.

Quest Diagnostics Nichols Institute San Juan Capistrano
Classification: Pathogenic. Last evaluated: 2025-05-07. Review status: criteria provided, single submitter. Criteria: Quest Diagnostics criteria. Collection method: clinical testing. Allele origin: unknown. Not counted in ClinVar's aggregate classification.
Comment: The BRCA1 c.3333del (p.Glu1112Asnfs*5) variant alters the translational reading frame of the BRCA1 mRNA and causes the premature termination of BRCA1 protein synthesis. This variant has been reported in the published literature in individuals and families affected with breast and/or ovarian cancer (PMID: 11437933 (2001), 26541979 (2016), 27157322 (2016), 29263802 (2016), 33754277 (2022), 35918668 (2022), 37415649 (2023), 38673061 (2024)). This variant has not been reported in large, multi-ethnic general populations (Genome Aggregation Database). Based on the available information, this variant is classified as pathogenic.

Color Diagnostics, LLC DBA Color Health
Classification: Pathogenic for Hereditary cancer-predisposing syndrome. Last evaluated: 2020-01-15. Review status: criteria provided, single submitter. Criteria: ACMG Guidelines, 2015. Collection method: clinical testing. Allele origin: germline. Not counted in ClinVar's aggregate classification.
Comment: This variant deletes 1 nucleotide in exon 10 of the BRCA1 gene, creating a frameshift and premature translation stop signal. This variant is expected to result in an absent or non-functional protein product. This variant has not been identified in the general population by the Genome Aggregation Database (gnomAD). Loss of BRCA1 function is a known mechanism of disease. Based on the available evidence, this variant is classified as Pathogenic.

GeneDx
Classification: Pathogenic. Last evaluated: 2017-03-29. Review status: criteria provided, single submitter. Criteria: GeneDx Variant Classification (06012015). Collection method: clinical testing. Allele origin: germline. Affected: yes. Not counted in ClinVar's aggregate classification.
Comment: This deletion of one nucleotide in BRCA1 is denoted c.3333delA at the cDNA level and p.Glu1112AsnfsX5 (E1112NfsX5) at the protein level. Using alternate nomenclature, this variant would be defined as BRCA1 3452delA. The normal sequence, with the base that is deleted in brackets, is AGCA[delA]GAAT. The deletion causes a frameshift which changes a Glutamic Acid to an Asparagine at codon 1112, and creates a premature stop codon at position 5 of the new reading frame. This variant is predicted to cause loss of normal protein function through either protein truncation or nonsense-mediated mRNA decay. BRCA1 c.3333delA has been reported in several patients of Asian ethnicity with personal and/or family histories of breast and/or ovarian cancer (Elit 2001, Elit 2002, Hasmad 2015, Kwong 2016, Wong 2016). We consider this variant to be pathogenic.

Consortium of Investigators of Modifiers of BRCA1/2 (CIMBA), c/o University of Cambridge
Classification: Pathogenic for Breast-ovarian cancer, familial, susceptibility to, 1. Last evaluated: 2015-10-02. Review status: criteria provided, single submitter. Criteria: CIMBA Mutation Classification guidelines May 2016. Collection method: clinical testing. Allele origin: germline. Not counted in ClinVar's aggregate classification.

Zotz-Klimas Genetics Lab, MVZ Zotz Klimas
Classification: Pathogenic for Breast-ovarian cancer, familial, susceptibility to, 1. Last evaluated: 2023-11-02. Review status: no assertion criteria provided. Collection method: clinical testing. Allele origin: germline. Affected: yes. Not counted in ClinVar's aggregate classification.

Research Molecular Genetics Laboratory, Women's College Hospital, University of Toronto
Classification: Pathogenic for Hereditary breast ovarian cancer syndrome. Last evaluated: 2014-01-31. Review status: no assertion criteria provided. Collection method: research. Allele origin: germline. Affected: yes. Study: The Canadian Open Genetics Repository (COGR). Not counted in ClinVar's aggregate classification.

Breast Cancer Information Core (BIC) (BRCA1)
Classification: Pathogenic for Breast-ovarian cancer, familial 1. Last evaluated: 2002-05-29. Review status: no assertion criteria provided. Collection method: clinical testing. Allele origin: germline. Affected: yes. Observed: 1 variant allele. Not counted in ClinVar's aggregate classification.

Center for Precision Medicine, Meizhou People's Hospital
Classification: Pathogenic for Familial cancer of breast. Review status: no assertion criteria provided. Collection method: curation. Allele origin: germline. Affected: yes. Not counted in ClinVar's aggregate classification.

Department of Pathology and Laboratory Medicine, Sinai Health System
Classification: Pathogenic for Malignant tumor of breast. Review status: no assertion criteria provided. Collection method: clinical testing. Allele origin: unknown. Affected: yes. Study: The Canadian Open Genetics Repository (COGR). Not counted in ClinVar's aggregate classification.
Comment: The variant was identified in dbSNP (ID: rs80357966) â€šÃ„ÃºWith pathogenic alleleâ€šÃ„Ã¹, the BIC database (1X with clinical significance, classified as pathogenic), and the ClinVar database (submitted by BIC and Invitae). The same p.Glu1112AsnfsX5 amino acid change was also identified in UMD (1X, causal) and the COSMIC database (1X), although these were from different nucleotide variants than the one identified in this individual (c.3334delG and c.3336delA, respectively). The p.Glu1112AsnfsX5 variant is predicted to cause a frameshift, which alters the protein's amino acid sequence beginning at codon 1112 and leads to a premature stop codon 5 codons downstream. This alteration is then predicted to result in a truncated or absent protein and loss of function. In summary, based on the above information, this variant meets our laboratoryâ€šÃ„Ã´s criteria to be classified as pathogenic.

Literature cited by the submitters: PubMed 20104584 (cited by Labcorp Genetics (formerly Invitae), Labcorp); PubMed 11437933 (cited by Labcorp Genetics (formerly Invitae), Labcorp and Quest Diagnostics Nichols Institute San Juan Capistrano); PubMed 26541979 (cited by Labcorp Genetics (formerly Invitae), Labcorp and Quest Diagnostics Nichols Institute San Juan Capistrano); PubMed 27157322 (cited by Labcorp Genetics (formerly Invitae), Labcorp and Quest Diagnostics Nichols Institute San Juan Capistrano); PubMed 29263802 (cited by Quest Diagnostics Nichols Institute San Juan Capistrano); PubMed 31209999 (cited by Quest Diagnostics Nichols Institute San Juan Capistrano); PubMed 33754277 (cited by Quest Diagnostics Nichols Institute San Juan Capistrano); PubMed 35918668 (cited by Quest Diagnostics Nichols Institute San Juan Capistrano); PubMed 37415649 (cited by Quest Diagnostics Nichols Institute San Juan Capistrano); PubMed 38673061 (cited by Quest Diagnostics Nichols Institute San Juan Capistrano).